The following is an entry in ClinVar:

ClinVar aggregate classification (germline): Uncertain significance (1 of 4 stars; one submission).

Conditions:
Angelman syndrome (AS). Also called: HAPPY PUPPET SYNDROME. Identifiers: Orphanet 72, MedGen C0162635, MONDO:0007113, OMIM 105830. Disease mechanism: loss of function. Inheritance: AS is caused by disruption of maternally imprinted UBE3A located within the 15q11.2-q13 Angelman syndrome/Prader-Willi syndrome (AS/PWS) region., imprinting disorder.

Submission:

Labcorp Genetics (formerly Invitae), Labcorp
Classification: Uncertain significance for Angelman syndrome. Last evaluated: 2024-05-02. Review status: criteria provided, single submitter. Criteria: Invitae Variant Classification Sherloc (09022015). Collection method: clinical testing. Allele origin: germline.
Comment: This sequence change replaces lysine, which is basic and polar, with threonine, which is neutral and polar, at codon 701 of the UBE3A protein (p.Lys701Thr). This variant is not present in population databases (gnomAD no frequency). This variant has not been reported in the literature in individuals affected with UBE3A-related conditions. Advanced modeling of protein sequence and biophysical properties (such as structural, functional, and spatial information, amino acid conservation, physicochemical variation, residue mobility, and thermodynamic stability) has been performed at Invitae for this missense variant, however the output from this modeling did not meet the statistical confidence thresholds required to predict the impact of this variant on UBE3A protein function. In summary, the available evidence is currently insufficient to determine the role of this variant in disease. Therefore, it has been classified as a Variant of Uncertain Significance.

NM_130839.5(UBE3A):c.2162A>C (p.Lys721Thr)

Genes: SNHG14 (small nucleolar RNA host gene 14; plus strand), UBE3A (ubiquitin protein ligase E3A; minus strand). Cytogenetic location: 15q11.2.
Variant type: single nucleotide variant.
Coding change: c.2162A>C on transcript NM_130839.5 (MANE Select); coding-DNA position 2162, A replaced by C.
Protein change: p.Lys721Thr; replaces lysine 721 with threonine.
Molecular consequence: missense variant. On other transcripts: non-coding transcript variant (1), intron variant (3).
Genome position (GRCh38, 1-based): chr15:25,354,646, T>G on the plus strand (A>C on the coding strand, the complement: UBE3A is on the minus strand). VCF-style: chr15-25354646-T-G. GRCh37 (hg19) VCF-style: chr15-25599793-T-G.
Other names: c.2102A>C, p.Lys701Thr (NM_001354511.2, NM_001354512.2, NM_001354513.2 and 14 more transcripts); c.2162A>C, p.Lys721Thr (NM_001354538.2, NM_001354505.1); c.2065-220A>C (NM_001354548.2, NM_001354547.2); c.2125-220A>C (NM_001354545.2); c.2171A>C, p.Lys724Thr (NM_000462.5); c.1985A>C, p.Lys662Thr (NM_001354546.2); c.1937A>C, p.Lys646Thr (NM_001354549.2); c.911A>C, p.Lys304Thr (NM_001354550.2); and 1 more; short protein forms K304T, K284T, K646T, K662T, K701T, K721T, K724T.
Identifiers: ClinVar variation 3676857 (VCV003676857.2).
Genomic context (GRCh38, chr15:25,354,646, plus strand): 5'-GATTCATTGGTCACCATATGAAAACCTCTCCGAAAAGCCTTGAACTGTTTTTCTACTGAT[T>G]TATTGAGAATGTAGTCAGAATAAAGATTGACAAATTCCTGTAGAAAACATTAATCACAAG-3'
Protein context (NP_570854.1, residues 711-731): VNLYSDYILN[Lys721Thr]SVEKQFKAFR